The following is an entry in ClinVar:

ClinVar aggregate classification (germline): Uncertain significance (1 of 4 stars; one submission).

Allele frequency attached by ClinVar (database versions not stated): gnomAD exomes below 0.00001.
gnomAD v4.1: 4 of 1,614,082 alleles (0.00025%); highest among the groups gnomAD compares: Non-Finnish European, 0.00034%; no homozygotes.

Submission:

Labcorp Genetics (formerly Invitae), Labcorp
Classification: Uncertain significance. Last evaluated: 2024-09-06. Review status: criteria provided, single submitter. Criteria: Invitae Variant Classification Sherloc (09022015). Collection method: clinical testing. Allele origin: germline.
Comment: This sequence change replaces serine, which is neutral and polar, with asparagine, which is neutral and polar, at codon 410 of the PCNT protein (p.Ser410Asn). This variant is not present in population databases (gnomAD no frequency). This variant has not been reported in the literature in individuals affected with PCNT-related conditions. An algorithm developed to predict the effect of missense changes on protein structure and function (PolyPhen-2) suggests that this variant is likely to be tolerated. In summary, the available evidence is currently insufficient to determine the role of this variant in disease. Therefore, it has been classified as a Variant of Uncertain Significance.

NM_006031.6(PCNT):c.1229G>A (p.Ser410Asn)

Gene: PCNT (pericentrin; plus strand). Cytogenetic location: 21q22.3.
Variant type: single nucleotide variant.
Coding change: c.1229G>A on transcript NM_006031.6 (MANE Select); coding-DNA position 1229, G replaced by A.
Protein change: p.Ser410Asn; replaces serine 410 with asparagine.
Molecular consequence: missense variant.
Genome position (GRCh38, 1-based): chr21:46,349,705, G>A. VCF-style: chr21-46349705-G-A. GRCh37 (hg19) VCF-style: chr21-47769619-G-A.
Other names: c.875G>A, p.Ser292Asn (NM_001315529.2); short protein forms S410N, S292N.
Identifiers: ClinVar variation 2770286 (VCV002770286.3), dbSNP rs1439140629, ClinGen allele CA410556674.